The following is an entry in ClinVar:

ClinVar aggregate classification (germline): Uncertain significance (1 of 4 stars; one submission).

Conditions:
Cardiovascular phenotype. Identifiers: MedGen CN230736.

Submission:

Ambry Genetics
Classification: Uncertain significance for Cardiovascular phenotype. Last evaluated: 2025-07-28. Review status: criteria provided, single submitter. Criteria: Ambry Variant Classification Scheme 2023. Collection method: clinical testing. Allele origin: germline.
Comment: The p.N3509K variant (also known as c.10527T>G), located in coding exon 42 of the AKAP9 gene, results from a T to G substitution at nucleotide position 10527. The asparagine at codon 3509 is replaced by lysine, an amino acid with similar properties. This amino acid position is conserved. In addition, this alteration is predicted to be tolerated by in silico analysis. Based on the available evidence, the clinical significance of this variant remains unclear.

NM_005751.5(AKAP9):c.10527T>G (p.Asn3509Lys)

Gene: AKAP9 (A-kinase anchoring protein 9; plus strand). Cytogenetic location: 7q21.2.
Variant type: single nucleotide variant.
Coding change: c.10527T>G on transcript NM_005751.5 (MANE Select); coding-DNA position 10527, T replaced by G.
Protein change: p.Asn3509Lys; replaces asparagine 3509 with lysine.
Molecular consequence: missense variant.
Genome position (GRCh38, 1-based): chr7:92,097,714, T>G. VCF-style: chr7-92097714-T-G. GRCh37 (hg19) VCF-style: chr7-91727028-T-G.
Other names: c.5172T>G, p.Asn1724Lys (NM_001379277.1); c.10503T>G, p.Asn3501Lys (NM_147185.3); short protein forms N1724K, N3501K, N3509K.
Identifiers: ClinVar variation 4265182 (VCV004265182.1).